The following is an entry in ClinVar:

ClinVar aggregate classification (germline): Likely pathogenic (1 of 4 stars; one submission).

Conditions:
Autoinflammatory disease, multisystem, with immune dysregulation, X-linked (ADMIDX). Identifiers: MedGen C5829577, MONDO:0957494, OMIM 301109.

Submission:

Victorian Clinical Genetics Services, Murdoch Childrens Research Institute
Classification: Likely pathogenic for Autoinflammatory disease, multisystem, with immune dysregulation, X-linked. Last evaluated: 2026-01-23. Review status: criteria provided, single submitter. Criteria: ACMG Guidelines, 2015. Collection method: clinical testing. Allele origin: germline. Affected: yes.
Comment: This variant is classified as Likely pathogenic. Evidence in support of pathogenic classification: Variant is predicted to cause nonsense-mediated decay (NMD) and loss of protein (premature termination codon is located at least 54 nucleotides upstream of the final exon-exon junction); Variant is absent from gnomAD (v2, v3 and v4); Another NMD-predicted variant comparable to the one identified in this case has limited previous evidence for pathogenicity. p.(Glu1252Ter) has been reported in a hemizygous individual presenting with a DOCK11-related immunological phenotype (PMID: 40274249). Additionally, individuals presenting with DOCK11-related features with abrogated DOCK11 protein expression levels have been reported in the literature (PMID: 37342957). p.(Arg1357Ter) has been classified as a VUS by a clinical laboratory in ClinVar; however, the evidence provided was uninformative. A number of ClinVar entries for other NMD-predicted variants have been submitted by a research laboratory; however, their relevance to germline disease is unclear, and therefore they have not been considered for this curation. Additional information: This variant is heterozygous; This gene is associated with X-linked disease; This variant has no previous evidence of pathogenicity; No published evidence of segregation with disease has been identified for this variant; No published functional evidence has been identified for this variant; Loss of function is a known mechanism of disease in this gene and is associated with autoinflammatory disease, multisystem, with immune dysregulation, X-linked (MIM#301109); Variants in this gene are known to have variable expressivity (PMID: 36952639); Inheritance information for this variant is not currently available in this individual.

Literature cited by the submitters: PubMed 36952639; PubMed 37342957; PubMed 40274249.

NM_144658.4(DOCK11):c.5377_5378del (p.Ser1793fs)

Gene: DOCK11 (dedicator of cytokinesis 11; plus strand). Cytogenetic location: Xq24.
Variant type: Microsatellite.
Coding change: c.5377_5378del on transcript NM_144658.4 (MANE Select); coding-DNA positions 5377 to 5378, 2 bases deleted (TC; older notation c.5377_5378delTC).
Protein change: p.Ser1793fs; shifts the reading frame from serine 1793.
Molecular consequence: frameshift variant.
Genome position (GRCh38, 1-based): chrX:118,676,654-118,676,655, TC deleted; deleting any 2 consecutive bases within chrX:118,676,651-118,676,655 gives the same sequence; the c. name uses the placement nearest the transcript's 3' end. VCF-style (leftmost placement, unchanged base first): chrX-118676650-CCT-C. GRCh37 (hg19) VCF-style: chrX-117810613-CCT-C.
Other names: short protein forms S1793fs.
Identifiers: ClinVar variation 4819041 (VCV004819041.1).